The following is an entry in ClinVar:

ClinVar aggregate classification (germline): Conflicting classifications of pathogenicity. Review status: criteria provided, conflicting classifications (1 of 4 stars). 2 submissions from 2 submitters: Pathogenic (1); Uncertain significance (1). Last evaluated 2024-09-16.

Conditions:
Mucopolysaccharidosis type 6 (MPS6). Also called: N-ACETYLGALACTOSAMINE-4-SULFATASE DEFICIENCY; MPS 6; Maroteaux Lamy syndrome; MPS VI; ARSB DEFICIENCY; ARYLSULFATASE B DEFICIENCY. Identifiers: Orphanet 583, MedGen C0026709, MONDO:0009661, OMIM 253200.

gnomAD v4.1: 4 of 1,493,560 alleles (0.00027%); highest among the groups gnomAD compares: Non-Finnish European, 0.00036%; no homozygotes.

Submissions (2):

Women's Health and Genetics/Laboratory Corporation of America, LabCorp
Classification: Uncertain significance. Last evaluated: 2024-09-16. Review status: criteria provided, single submitter. Criteria: LabCorp Variant Classification Summary - May 2015. Collection method: clinical testing. Allele origin: germline.
Comment: Variant summary: ARSB c.281C>T (p.Ser94Leu) results in a non-conservative amino acid change located in the Sulfatase, N-terminal (IPR000917) of the encoded protein sequence. Five of five in-silico tools predict a damaging effect of the variant on protein function. The frequency data for this variant in gnomAD is considered unreliable, as metrics indicate poor data quality at this position. To our knowledge, no occurrence of c.281C>T in individuals affected with Mucopolysaccharidosis Type VI (Maroteaux-Lamy Syndrome) and no experimental evidence demonstrating its impact on protein function have been reported. ClinVar contains an entry for this variant (Variation ID: 445287). Based on the evidence outlined above, the variant was classified as uncertain significance.

Medical Molecular Genetics Department, National Research Center
Classification: Pathogenic for Mucopolysaccharidosis type 6. Last evaluated: 2015-12-01. Review status: criteria provided, single submitter. Criteria: ACMG Guidelines, 2015. Collection method: research. Allele origin: germline. Affected: yes. Observed: 2 variant alleles.

NM_000046.5(ARSB):c.281C>T (p.Ser94Leu)

Genes: ARSB (arylsulfatase B; minus strand), LOC129994126 (ATAC-STARR-seq lymphoblastoid silent region 16127; plus strand). Cytogenetic location: 5q14.1.
Variant type: single nucleotide variant.
Coding change: c.281C>T on transcript NM_000046.5 (MANE Select); coding-DNA position 281, C replaced by T.
Protein change: p.Ser94Leu; replaces serine 94 with leucine.
Molecular consequence: missense variant.
Genome position (GRCh38, 1-based): chr5:78,984,968, G>A on the plus strand (C>T on the coding strand, the complement: ARSB is on the minus strand). VCF-style: chr5-78984968-G-A. GRCh37 (hg19) VCF-style: chr5-78280791-G-A.
Other names: c.281C>T, p.Ser94Leu (NM_198709.3); short protein forms S94L.
Identifiers: ClinVar variation 445287 (VCV000445287.3), dbSNP rs1554032099, ClinGen allele CA360196421.